The following is an entry in ClinVar:

NM_001243279.3(ACSF3):c.371C>G (p.Pro124Arg)

Gene: ACSF3 (acyl-CoA synthetase family member 3; plus strand). Cytogenetic location: 16q24.3.
Variant type: single nucleotide variant.
Coding change: c.371C>G on transcript NM_001243279.3 (MANE Select); coding-DNA position 371, C replaced by G.
Protein change: p.Pro124Arg; replaces proline 124 with arginine.
Molecular consequence: missense variant. On other transcripts: non-coding transcript variant (3), intron variant (1).
Genome position (GRCh38, 1-based): chr16:89,101,052, C>G. VCF-style: chr16-89101052-C-G. GRCh37 (hg19) VCF-style: chr16-89167460-C-G.
Other names: c.371C>G, p.Pro124Arg (NM_001127214.4, NM_174917.5); c.-129-1552C>G (NM_001284316.2); c.371C>G (NM_174917.4); short protein forms P124R.
Identifiers: ClinVar variation 1465764 (VCV001465764.4), dbSNP rs1292276846, ClinGen allele CA397134102.

ClinVar aggregate classification (germline): Uncertain significance. Review status: criteria provided, multiple submitters, no conflicts (2 of 4 stars). 2 submissions from 2 submitters: Uncertain significance (2). Last evaluated 2025-04-08.

Conditions:
ACSF3-related disorder. Also called: ACSF3-related condition.
Combined malonic and methylmalonic acidemia. Identifiers: Orphanet 289504, MedGen C3280314, MONDO:0013661, OMIM 614265.

Allele frequency attached by ClinVar (database versions not stated): TOPMed below 0.00001.
gnomAD v4.1: 1 of 1,614,036 alleles (0.000062%); highest among the groups gnomAD compares: East Asian, 0.0022%; no homozygotes.

Submissions (2):

PreventionGenetics, part of Exact Sciences
Classification: Uncertain significance for ACSF3-related condition. Last evaluated: 2025-04-08. Review status: criteria provided, single submitter. Criteria: ACMG Guidelines, 2015. Collection method: clinical testing. Allele origin: germline.
Comment: The ACSF3 c.371C>G variant is predicted to result in the amino acid substitution p.Pro124Arg. To our knowledge, this variant has not been reported in the literature. This variant is reported in 0.0% of alleles in individuals of African descent in gnomAD. At this time, the clinical significance of this variant is uncertain due to the absence of conclusive functional and genetic evidence.

Labcorp Genetics (formerly Invitae), Labcorp
Classification: Uncertain significance for Combined malonic and methylmalonic acidemia. Last evaluated: 2021-10-05. Review status: criteria provided, single submitter. Criteria: Invitae Variant Classification Sherloc (09022015). Collection method: clinical testing. Allele origin: germline.
Comment: This sequence change replaces proline with arginine at codon 124 of the ACSF3 protein (p.Pro124Arg). The proline residue is highly conserved and there is a moderate physicochemical difference between proline and arginine. This variant is not present in population databases (ExAC no frequency). This variant has not been reported in the literature in individuals affected with ACSF3-related conditions. Advanced modeling of protein sequence and biophysical properties (such as structural, functional, and spatial information, amino acid conservation, physicochemical variation, residue mobility, and thermodynamic stability) performed at Invitae indicates that this missense variant is expected to disrupt ACSF3 protein function. In summary, the available evidence is currently insufficient to determine the role of this variant in disease. Therefore, it has been classified as a Variant of Uncertain Significance.